The following is an entry in ClinVar:

ClinVar aggregate classification (germline): Uncertain significance. Review status: criteria provided, multiple submitters, no conflicts (2 of 4 stars). 2 submissions from 2 submitters: Uncertain significance (2). Last evaluated 2025-08-29.

Conditions:
Inborn genetic diseases. Identifiers: MedGen C0950123, MeSH D030342.
Combined immunodeficiency due to STIM1 deficiency. Also called: STIM1 DEFICIENCY; IMMUNODEFICIENCY 10. Identifiers: Orphanet 169090, Orphanet 317430, MedGen C2748557, MONDO:0013008, OMIM 612783.
Myopathy with tubular aggregates (TAM). Also called: Tubular Aggregate Myopathy. Identifiers: Orphanet 2593, MedGen C0410207, MONDO:0008051.
Stormorken syndrome (STRMK). Also called: THROMBOCYTOPATHY, ASPLENIA, AND MIOSIS. Identifiers: Orphanet 3204, MedGen C1861451, MONDO:0008497, OMIM 185070.

Submissions (2):

Ambry Genetics
Classification: Uncertain significance for Inborn genetic diseases. Last evaluated: 2025-08-29. Review status: criteria provided, single submitter. Criteria: Ambry Variant Classification Scheme 2023. Collection method: clinical testing. Allele origin: germline.

Labcorp Genetics (formerly Invitae), Labcorp
Classification: Uncertain significance for Myopathy with tubular aggregates; Combined immunodeficiency due to STIM1 deficiency; Stormorken syndrome. Last evaluated: 2019-12-19. Review status: criteria provided, single submitter. Criteria: Invitae Variant Classification Sherloc (09022015). Collection method: clinical testing. Allele origin: germline.
Comment: Algorithms developed to predict the effect of missense changes on protein structure and function (SIFT, PolyPhen-2, Align-GVGD) all suggest that this variant is likely to be tolerated, but these predictions have not been confirmed by published functional studies and their clinical significance is uncertain. In summary, the available evidence is currently insufficient to determine the role of this variant in disease. Therefore, it has been classified as a Variant of Uncertain Significance. This variant has not been reported in the literature in individuals with STIM1-related conditions. This variant is not present in population databases (ExAC no frequency). This sequence change replaces tryptophan with glycine at codon 460 of the STIM1 protein (p.Trp460Gly). The tryptophan residue is weakly conserved and there is a large physicochemical difference between tryptophan and glycine.

NM_001382567.1(STIM1):c.1378T>G (p.Trp460Gly)

Gene: STIM1 (stromal interaction molecule 1; plus strand). Cytogenetic location: 11p15.4.
Variant type: single nucleotide variant.
Coding change: c.1378T>G on transcript NM_001382567.1 (MANE Select); coding-DNA position 1378, T replaced by G.
Protein change: p.Trp460Gly; replaces tryptophan 460 with glycine.
Molecular consequence: missense variant. On other transcripts: non-coding transcript variant (2).
Genome position (GRCh38, 1-based): chr11:4,083,402, T>G. VCF-style: chr11-4083402-T-G. GRCh37 (hg19) VCF-style: chr11-4104632-T-G.
Other names: c.1378T>G, p.Trp460Gly (NM_001277961.3, NM_001277962.2, NM_003156.4); c.1156T>G, p.Trp386Gly (NM_001382566.1, NM_001382573.1, NM_001382575.1 and 4 more transcripts); c.1399T>G, p.Trp467Gly (NM_001382568.1); c.1243T>G, p.Trp415Gly (NM_001382569.1); c.1150T>G, p.Trp384Gly (NM_001382570.1); c.898T>G, p.Trp300Gly (NM_001382571.1); c.889T>G, p.Trp297Gly (NM_001382580.1, NM_001382581.1); short protein forms W460G, W297G, W300G, W384G, W386G, W415G, W467G.
Identifiers: ClinVar variation 863348 (VCV000863348.12), dbSNP rs2094475504, ClinGen allele CA379194334.